The following is an entry in ClinVar:

ClinVar aggregate classification (germline): Benign/Likely benign. Review status: criteria provided, multiple submitters, no conflicts (2 of 4 stars). 5 submissions from 5 submitters: Benign (2); Likely benign (2). 1 of the submissions does not count toward it. Last evaluated 2025-09-14.

Conditions:
SPTAN1-related disorder. Also called: SPTAN1-related disorders; SPTAN1-related condition.
Early-infantile DEE. Also called: Ohtahara syndrome; Early infantile epileptic encephalopathy; Early infantile epileptic encephalopathy with suppression bursts. Identifiers: Orphanet 1934, MedGen C0393706, MONDO:0800491.
Inborn genetic diseases. Identifiers: MedGen C0950123, MeSH D030342.
Developmental and epileptic encephalopathy, 5 (DEE5). Identifiers: Orphanet 3451, MedGen C3150731, MONDO:0013277, OMIM 613477.

Allele frequency attached by ClinVar (database versions not stated): ExAC 0.00005; gnomAD exomes 0.00006 and 0.00007; TOPMed 0.00008; gnomAD 0.00009.
gnomAD v4.1: 121 of 1,613,870 alleles (0.0075%); highest among the groups gnomAD compares: Middle Eastern, 0.033%; 1 homozygote.

Submissions (5):

Labcorp Genetics (formerly Invitae), Labcorp
Classification: Benign for Early-infantile DEE. Last evaluated: 2025-09-14. Review status: criteria provided, single submitter. Criteria: Invitae Variant Classification Sherloc (09022015). Collection method: clinical testing. Allele origin: germline.

Ambry Genetics
Classification: Likely benign for Inborn genetic diseases. Last evaluated: 2024-08-26. Review status: criteria provided, single submitter. Criteria: Ambry Variant Classification Scheme 2023. Collection method: clinical testing. Allele origin: germline.

Genome-Nilou Lab
Classification: Benign for Developmental and epileptic encephalopathy, 5. Last evaluated: 2021-07-15. Review status: criteria provided, single submitter. Criteria: ACMG Guidelines, 2015. Collection method: clinical testing. Allele origin: germline. Affected: no.

GeneDx
Classification: Likely benign. Last evaluated: 2015-11-25. Review status: criteria provided, single submitter. Criteria: GeneDx Variant Classification (06012015). Collection method: clinical testing. Allele origin: germline. Affected: yes.
Comment: This variant is considered likely benign or benign based on one or more of the following criteria: it is a conservative change, it occurs at a poorly conserved position in the protein, it is predicted to be benign by multiple in silico algorithms, and/or has population frequency not consistent with disease.

PreventionGenetics, part of Exact Sciences
Classification: Likely benign for SPTAN1-related condition. Last evaluated: 2022-09-01. Review status: no assertion criteria provided. Collection method: clinical testing. Allele origin: germline. Not counted in ClinVar's aggregate classification.
Comment: This variant is classified as likely benign based on ACMG/AMP sequence variant interpretation guidelines (Richards et al. 2015 PMID: 25741868, with internal and published modifications).

NM_001130438.3(SPTAN1):c.7402G>A (p.Val2468Met)

Gene: SPTAN1 (spectrin alpha, non-erythrocytic 1; plus strand). Cytogenetic location: 9q34.11.
Variant type: single nucleotide variant.
Coding change: c.7402G>A on transcript NM_001130438.3 (MANE Select); coding-DNA position 7402, G replaced by A.
Protein change: p.Val2468Met; replaces valine 2468 with methionine.
Molecular consequence: missense variant.
Genome position (GRCh38, 1-based): chr9:128,633,302, G>A. VCF-style: chr9-128633302-G-A. GRCh37 (hg19) VCF-style: chr9-131395581-G-A.
Other names: p.V2468M:GTG>ATG; c.7327G>A, p.Val2443Met (NM_001195532.2); c.7465G>A, p.Val2489Met (NM_001363759.2); c.7342G>A, p.Val2448Met (NM_001363765.2); c.7387G>A, p.Val2463Met (NM_003127.4); short protein forms V2468M, V2443M, V2448M, V2489M, V2463M.
Identifiers: ClinVar variation 207366 (VCV000207366.19), dbSNP rs754362594, ClinGen allele CA318761.
Genomic context (GRCh38, chr9:128,633,302, plus strand): 5'-TCCCACATGAAGCCCTACGTGGACGGCAAGGGCCGCGAGCTCCCCACCGCGTTCGACTAC[G>A]TGGAGTTCACCCGCTCGCTTTTCGTGAACTGAGCCACTCCCTGGGTCACCCACCCCTCGC-3'
Protein context (NP_001123910.1, residues 2458-2477): GRELPTAFDY[Val2468Met]EFTRSLFVN